The following is an entry in ClinVar:

NM_007294.4(BRCA1):c.5095C>T (p.Arg1699Trp)

Gene: BRCA1 (BRCA1 DNA repair associated; minus strand). Cytogenetic location: 17q21.31.
Variant type: single nucleotide variant.
Coding change: c.5095C>T on transcript NM_007294.4 (MANE Select); coding-DNA position 5095, C replaced by T.
Protein change: p.Arg1699Trp; replaces arginine 1699 with tryptophan.
Molecular consequence: missense variant. On other transcripts: non-coding transcript variant (1).
Genome position (GRCh38, 1-based): chr17:43,063,931, G>A on the plus strand (C>T on the coding strand, the complement: BRCA1 is on the minus strand). VCF-style: chr17-43063931-G-A. GRCh37 (hg19) VCF-style: chr17-41215948-G-A.
Other names: p.R1699W:CGG>TGG; NP_009225.1:p.Arg1699Trp; 5214C>T; c.4882C>T, p.Arg1628Trp (NM_001407571.1, NM_001407900.1, NM_001407902.1 and 12 more transcripts); c.5161C>T, p.Arg1721Trp (NM_001407581.1, NM_001407582.1); c.5158C>T, p.Arg1720Trp (NM_001407583.1, NM_001407585.1, NM_001407587.1 and 1 more transcripts); c.5155C>T, p.Arg1719Trp (NM_001407590.1, NM_001407591.1); c.5095C>T, p.Arg1699Trp (NM_001407593.1, NM_001407594.1, NM_001407596.1 and 7 more transcripts); and 74 more; short protein forms R1699W, R595W, R1720W, R1652W, R1572W, R1630W, R1651W, R1655W.
Identifiers: ClinVar variation 55396 (VCV000055396.107), dbSNP rs55770810, ClinGen allele CA003234.

ClinVar aggregate classification (germline): Pathogenic. Review status: reviewed by expert panel (3 of 4 stars). 53 submissions from 49 submitters: Pathogenic (1). 52 of the submissions do not count toward it. Last evaluated 2015-08-10.

Conditions:
Inherited ovarian cancer (without breast cancer).
Fanconi anemia, complementation group S (FANCS). Identifiers: MedGen C4554406, MONDO:0054748, OMIM 617883.
BRCA1-related cancer predisposition. Identifiers: MedGen CN377757, MONDO:0700268.
BRCA1-related disorder. Also called: BRCA1-related condition.
Breast and colorectal cancer. Identifiers: MedGen CN221560.
Hereditary cancer-predisposing syndrome. Also called: Hereditary Cancer Syndrome; Tumor predisposition; Neoplastic Syndromes, Hereditary; Hereditary neoplastic syndrome. Identifiers: Orphanet 140162, MedGen C0027672, MeSH D009386, MONDO:0015356.
Ovarian cancer. Also called: OVARIAN CANCER, SOMATIC. Identifiers: Orphanet 213500, MedGen C1140680, MONDO:0008170, OMIM 167000.
Hereditary breast ovarian cancer syndrome. Also called: Breast and ovarian cancer; BRCA1- and BRCA2-Associated Hereditary Breast and Ovarian Cancer; Hereditary breast and ovarian cancer; Hereditary breast and ovarian cancer syndrome (HBOC); Hereditary breast and ovarian cancer syndrome; Hereditary breast and/or ovarian cancer syndrome. Identifiers: Orphanet 145, MedGen C0677776, MeSH D061325, MONDO:0003582. Disease mechanism: loss of function.
Breast-ovarian cancer, familial, susceptibility to, 1 (BROVCA1). Also called: BRCA1 Hereditary Breast and Ovarian Cancer; OVARIAN CANCER, SUSCEPTIBILITY TO. Identifiers: Orphanet 145, MedGen C2676676, MONDO:0011450, OMIM 604370. Disease mechanism: loss of function.
Endometrial carcinoma. Also called: Endometrial carcinoma, somatic. Identifiers: MedGen C0476089, MONDO:0002447, OMIM 608089, HP:0012114.
Fanconi anemia complementation group A (FANCA). Also called: FANCA-Related Fanconi Anemia; Fanconi anemia, group A. Identifiers: Orphanet 84, MedGen C3469521, MONDO:0009215, OMIM 227650.
Familial cancer of breast. Also called: BREAST CANCER, FAMILIAL; hereditary breast carcinoma; Hereditary breast cancer. Identifiers: Orphanet 227535, MedGen C0346153, MONDO:0016419, OMIM 114480. Disease mechanism: loss of function.
Malignant tumor of breast. Also called: Malignant breast neoplasm; Cancer breast. Identifiers: MedGen C0006142, MONDO:0007254. Disease mechanism: loss of function.

Allele frequency attached by ClinVar (database versions not stated): ESP Exome Variant Server 0.00008.
gnomAD v4.1: 13 of 1,613,828 alleles (0.00081%); highest among the groups gnomAD compares: Middle Eastern, 0.016%; no homozygotes.

Submissions 1 to 7 of 53:

Evidence-based Network for the Interpretation of Germline Mutant Alleles (ENIGMA)
Classification: Pathogenic for Breast-ovarian cancer, familial 1. Last evaluated: 2015-08-10. Review status: reviewed by expert panel. Criteria: ENIGMA BRCA1/2 Classification Criteria (2015). Collection method: curation. Allele origin: germline.
Comment: IARC class based on posterior probability from multifactorial likelihood analysis, thresholds for class as per Plon et al. 2008 (PMID: 18951446). Class 5 based on posterior probability = 1

Genetics Laboratory, Great Ormond Street Hospital NHS Foundation Trust, North Thames Genomic Laboratory Hub
Classification: Pathogenic for Inherited ovarian cancer (without breast cancer). Last evaluated: 2026-08-06. Review status: criteria provided, single submitter. Criteria: CanVIG BRCA Gene Specific V1.22. Collection method: clinical testing. Allele origin: germline. Affected: yes. Not counted in ClinVar's aggregate classification.
Comment: PS4_very-strong, PM2_supporting, PP3_supporting, PS3_strong, PP1_supporting, PM3_supporting, PP4_very-strong

PreventionGenetics, part of Exact Sciences
Classification: Pathogenic for BRCA1-related condition. Last evaluated: 2026-04-20. Review status: criteria provided, single submitter. Criteria: ACMG Guidelines, 2015. Collection method: clinical testing. Allele origin: germline. Not counted in ClinVar's aggregate classification.
Comment: The BRCA1 c.5095C>T variant is predicted to result in the amino acid substitution p.Arg1699Trp. This variant has been previously reported as pathogenic in many families with breast and ovarian cancer (Vallon-Christersson et al. 2001. PubMed ID: 11157798; Spurdle et al. 2012. PubMed ID: 22889855; Alemar et al. 2017. PubMed ID: 29161300; Sun et al. 2017. PubMed ID: 28724667). In addition, the c.5095C>T (p.Arg1699Trp) variant has been reported in the compound heterozygous state with the variant c.594_597del (p.Ser198Argfs*35) in a patient with multiple congenital anomalies and a phenotype consistent with a Fanconi anemia-like disorder (Sawyer et al. 2015. PubMed ID: 25472945). Functional studies have also shown that this variant impairs function (Coquelle et al 2011. PubMed ID: 21473589; Bouwman et al. 2013. PubMed ID: 3867111). This variant is reported in 0.0092% of alleles in individuals of European (Finnish) descent in gnomAD. This variant is interpreted as pathogenic in ClinVar (Variation ID: 55396). This variant is interpreted as pathogenic.

CeGaT Center for Human Genetics Tuebingen
Classification: Pathogenic. Last evaluated: 2026-04-01. Review status: criteria provided, single submitter. Criteria: CeGaT Center For Human Genetics Tuebingen Variant Classification Criteria Version 2. Collection method: clinical testing. Allele origin: germline. Affected: yes. Observed: 2 variant alleles. Not counted in ClinVar's aggregate classification.
Comment: BRCA1: PP1:Strong, PS3, PM1, PM5

Dasa
Classification: Likely pathogenic for Breast-ovarian cancer, familial, susceptibility to, 1. Last evaluated: 2026-01-28. Review status: criteria provided, single submitter. Criteria: DASA Assertion Criteria. Collection method: clinical testing. Allele origin: germline. Not counted in ClinVar's aggregate classification.
Comment: NM_007294.4(BRCA1):c.5095C>T (p.Arg1699Trp) is a missense variant that results in the substitution of arginine with tryptophan. This variant has been reported in individuals with Breast-ovarian cancer, familial, susceptibility to, 1 (PMID: 29446198). Functional evidence supports an impact on the gene or gene product (PMID: 29446198). Also, this variant is rare in population databases. Computational evidence supports a deleterious effect. Based on the currently available evidence, this variant is classified as likely pathogenic.

Labcorp Genetics (formerly Invitae), Labcorp
Classification: Pathogenic for Hereditary breast ovarian cancer syndrome. Last evaluated: 2026-01-16. Review status: criteria provided, single submitter. Criteria: Invitae Variant Classification Sherloc (09022015). Collection method: clinical testing. Allele origin: germline. Not counted in ClinVar's aggregate classification.
Comment: This sequence change replaces arginine, which is basic and polar, with tryptophan, which is neutral and slightly polar, at codon 1699 of the BRCA1 protein (p.Arg1699Trp). This variant is present in population databases (rs55770810, gnomAD 0.009%). This missense change has been observed in individual(s) with breast cancer, Fanconi anemia, and/or ovarian cancer (PMID: 11157798, 17574969, 21324516, 21356067, 22889855, 25472942). In at least one individual the data is consistent with being in trans (on the opposite chromosome) from a pathogenic variant. It has also been observed to segregate with disease in related individuals. ClinVar contains an entry for this variant (Variation ID: 55396). An algorithm developed specifically for the BRCA1 gene suggests that this missense change is likely to be deleterious (PMID: 17924331, 21990134). Experimental studies have shown that this missense change affects BRCA1 function (PMID: 17308087, 17924331, 20516115, 21473589, 21990134, 23867111). RNA analysis performed to evaluate the impact of this missense change on mRNA splicing indicates it does not significantly alter splicing (internal data). For these reasons, this variant has been classified as Pathogenic.

Ambry Genetics
Classification: Pathogenic for Hereditary cancer-predisposing syndrome. Last evaluated: 2025-12-08. Review status: criteria provided, single submitter. Criteria: Ambry Variant Classification Scheme 2023. Collection method: clinical testing. Allele origin: germline. Not counted in ClinVar's aggregate classification.
Comment: The c.5095C>T (p.R1699W) alteration is located in exon 17 (coding exon 16) of the BRCA1 gene. This alteration results from a C to T substitution at nucleotide position 5095, causing the arginine (R) at amino acid position 1699 to be replaced by a tryptophan (W). Based on data from gnomAD, the T allele has an overall frequency of 0.002% (6/251242) total alleles studied. The highest observed frequency was 0.016% (1/6122) of Other alleles. This variant has been reported in several ethnically diverse individuals with a personal and/ or family history of breast, ovarian, and prostate cancers (Abkevich, 2004; Zhang, 2011; Akbari, 2011; Dorschner, 2013; Alemar, 2017; Siraj, 2019; Millan Catalan, 2019; Li, 2019; Nguyen-Dumont, 2020; Loza, 2021). This variant has been classified as a pathogenic mutation by multifactorial analysis, which integrates the following lines of evidence to produce a quantitative likelihood of pathogenicity: in silico prediction models, segregation with disease and mutation co-occurrence (Easton, 2007; Tavtigian, 2008). Of note, this variant is also designated as 5214C>T in published literature. This amino acid position is highly conserved in available vertebrate species. The p.R1699W mutation introduces a bulky hydrophobic amino acid in the BRCT peptide-binding groove which is critical for tumor suppressor function (Coquelle, 2011). Functional studies demonstrated significantly reduced transcriptional binding activity and specificity in human cells with p.R1699W (Vallon-Christersson, 2001; Lee, 2010). This alteration is predicted to be deleterious by in silico analysis. Based on the available evidence, this alteration is classified as pathogenic.